The following is an entry in ClinVar:

ClinVar aggregate classification (germline): Likely benign. Review status: criteria provided, single submitter (1 of 4 stars). 2 submissions from 2 submitters: Likely benign (1). 1 of the submissions does not count toward it. Last evaluated 2022-02-02.

Conditions:
ARSG-related disorder. Also called: ARSG-related condition.

gnomAD v4.1: 2 of 1,614,040 alleles (0.00012%); highest among the groups gnomAD compares: Non-Finnish European, 0.000085%; no homozygotes.

Submissions (2):

Labcorp Genetics (formerly Invitae), Labcorp
Classification: Likely benign. Last evaluated: 2022-02-02. Review status: criteria provided, single submitter. Criteria: Invitae Variant Classification Sherloc (09022015). Collection method: clinical testing. Allele origin: germline.

PreventionGenetics, part of Exact Sciences
Classification: Likely benign for ARSG-related condition. Last evaluated: 2020-08-10. Review status: no assertion criteria provided. Collection method: clinical testing. Allele origin: germline. Not counted in ClinVar's aggregate classification.
Comment: This variant is classified as likely benign based on ACMG/AMP sequence variant interpretation guidelines (Richards et al. 2015 PMID: 25741868, with internal and published modifications).

NM_001267727.2(ARSG):c.1440C>G (p.Pro480=)

Genes: ARSG (arylsulfatase G; plus strand), PRKAR1A (protein kinase cAMP-dependent type I regulatory subunit alpha; plus strand). Cytogenetic location: 17q24.2.
Variant type: single nucleotide variant.
Coding change: c.1440C>G on transcript NM_001267727.2 (MANE Select); coding-DNA position 1440, C replaced by G.
Protein change: p.Pro480=; no amino-acid change (proline 480 retained).
Molecular consequence: synonymous variant. On other transcripts: intron variant (3).
Genome position (GRCh38, 1-based): chr17:68,420,325, C>G. VCF-style: chr17-68420325-C-G. GRCh37 (hg19) VCF-style: chr17-66416466-C-G.
Other names: c.1440C>G, p.Pro480= (NM_001352899.2, NM_001352900.2, NM_001352901.2 and 2 more transcripts); c.1437C>G, p.Pro479= (NM_001352903.2, NM_001352904.2, NM_001352905.2 and 2 more transcripts); c.1303+18875C>G (NM_001352910.2); c.1255+18875C>G (NM_001352909.2); c.-7+6530C>G (NM_001278433.2).
Identifiers: ClinVar variation 2173474 (VCV002173474.5), dbSNP rs570412060, ClinGen allele CA501698322.